The following is an entry in ClinVar:

ClinVar aggregate classification (germline): Uncertain significance (1 of 4 stars; one submission).

Conditions:
Hereditary cancer-predisposing syndrome. Also called: Tumor predisposition; Neoplastic Syndromes, Hereditary; Hereditary neoplastic syndrome; Hereditary Cancer Syndrome. Identifiers: Orphanet 140162, MedGen C0027672, MeSH D009386, MONDO:0015356.

Submission:

Ambry Genetics
Classification: Uncertain significance for Hereditary cancer-predisposing syndrome. Last evaluated: 2024-07-15. Review status: criteria provided, single submitter. Criteria: Ambry Variant Classification Scheme 2023. Collection method: clinical testing. Allele origin: germline.
Comment: The p.W121C variant (also known as c.363G>C), located in coding exon 3 of the SDHAF2 gene, results from a G to C substitution at nucleotide position 363. The tryptophan at codon 121 is replaced by cysteine, an amino acid with highly dissimilar properties. This amino acid position is conserved. In addition, this alteration is predicted to be deleterious by in silico analysis. Based on the available evidence, the clinical significance of this variant remains unclear.

NM_017841.4(SDHAF2):c.363G>C (p.Trp121Cys)

Gene: SDHAF2 (succinate dehydrogenase complex assembly factor 2; plus strand). Cytogenetic location: 11q12.2.
Variant type: single nucleotide variant.
Coding change: c.363G>C on transcript NM_017841.4 (MANE Select); coding-DNA position 363, G replaced by C.
Protein change: p.Trp121Cys; replaces tryptophan 121 with cysteine.
Molecular consequence: missense variant.
Genome position (GRCh38, 1-based): chr11:61,438,106, G>C. VCF-style: chr11-61438106-G-C. GRCh37 (hg19) VCF-style: chr11-61205578-G-C.
Other names: short protein forms W121C.
Identifiers: ClinVar variation 3438727 (VCV003438727.1).